The following is an entry in ClinVar:

ClinVar aggregate classification (germline): Uncertain significance. Review status: criteria provided, multiple submitters, no conflicts (2 of 4 stars). 4 submissions from 4 submitters: Uncertain significance (4). Last evaluated 2024-10-07.

Conditions:
Primary ciliary dyskinesia. Also called: Ciliary dyskinesia. Identifiers: Orphanet 244, MedGen C0008780, MONDO:0016575, HP:0012265.
Primary ciliary dyskinesia 15. Also called: CILIARY DYSKINESIA, PRIMARY, 15, WITH OR WITHOUT SITUS INVERSUS. Identifiers: Orphanet 244, MedGen C3151137, MONDO:0013435, OMIM 613808.

Allele frequency attached by ClinVar (database versions not stated): ExAC 0.00012; TOPMed 0.00012; gnomAD exomes 0.00013 and 0.00025; gnomAD 0.00015 and 0.00016.

Submissions (4):

Blueprint Genetics
Classification: Uncertain significance. Last evaluated: 2024-10-07. Review status: criteria provided, single submitter. Criteria: ACMG Guidelines, 2015. Collection method: clinical testing. Allele origin: germline.

Ambry Genetics
Classification: Uncertain significance for Primary ciliary dyskinesia. Last evaluated: 2024-10-04. Review status: criteria provided, single submitter. Criteria: Ambry Variant Classification Scheme 2023. Collection method: clinical testing. Allele origin: germline.
Comment: The p.E254K variant (also known as c.760G>A), located in coding exon 5 of the CCDC40 gene, results from a G to A substitution at nucleotide position 760. The glutamic acid at codon 254 is replaced by lysine, an amino acid with similar properties. This amino acid position is conserved. In addition, the in silico prediction for this alteration is inconclusive. Based on the available evidence, the clinical significance of this variant remains unclear.

Labcorp Genetics (formerly Invitae), Labcorp
Classification: Uncertain significance for Primary ciliary dyskinesia. Last evaluated: 2022-07-15. Review status: criteria provided, single submitter. Criteria: Invitae Variant Classification Sherloc (09022015). Collection method: clinical testing. Allele origin: germline.
Comment: This sequence change replaces glutamic acid, which is acidic and polar, with lysine, which is basic and polar, at codon 254 of the CCDC40 protein (p.Glu254Lys). This variant is present in population databases (rs758247990, gnomAD 0.03%). This variant has not been reported in the literature in individuals affected with CCDC40-related conditions. ClinVar contains an entry for this variant (Variation ID: 837014). Algorithms developed to predict the effect of missense changes on protein structure and function output the following: SIFT: "Deleterious"; PolyPhen-2: "Benign"; Align-GVGD: "Class C0". The lysine amino acid residue is found in multiple mammalian species, which suggests that this missense change does not adversely affect protein function. In summary, the available evidence is currently insufficient to determine the role of this variant in disease. Therefore, it has been classified as a Variant of Uncertain Significance.

Illumina Laboratory Services, Illumina
Classification: Uncertain significance for Primary ciliary dyskinesia 15. Last evaluated: 2018-01-13. Review status: criteria provided, single submitter. Criteria: ICSL Variant Classification Criteria 13 December 2019. Collection method: clinical testing. Allele origin: germline.

NM_017950.4(CCDC40):c.760G>A (p.Glu254Lys)

Gene: CCDC40 (coiled-coil domain 40 molecular ruler complex subunit; plus strand). Cytogenetic location: 17q25.3.
Variant type: single nucleotide variant.
Coding change: c.760G>A on transcript NM_017950.4 (MANE Select); coding-DNA position 760, G replaced by A.
Protein change: p.Glu254Lys; replaces glutamic acid 254 with lysine.
Molecular consequence: missense variant.
Genome position (GRCh38, 1-based): chr17:80,048,666, G>A. VCF-style: chr17-80048666-G-A. GRCh37 (hg19) VCF-style: chr17-78022465-G-A.
Other names: c.760G>A, p.Glu254Lys (NM_001243342.2, NM_001330508.2); short protein forms E254K.
Identifiers: ClinVar variation 837014 (VCV000837014.15), dbSNP rs758247990, ClinGen allele CA8813563.